The following is an entry in ClinVar:

NM_014698.3(TMEM63A):c.2094G>A (p.Leu698=)

Gene: TMEM63A (transmembrane protein 63A; minus strand). Cytogenetic location: 1q42.12.
Variant type: single nucleotide variant.
Coding change: c.2094G>A on transcript NM_014698.3 (MANE Select); coding-DNA position 2094, G replaced by A.
Protein change: p.Leu698=; no amino-acid change (leucine 698 retained).
Molecular consequence: synonymous variant.
Genome position (GRCh38, 1-based): chr1:225,848,990, C>T on the plus strand (G>A on the coding strand, the complement: TMEM63A is on the minus strand). VCF-style: chr1-225848990-C-T. GRCh37 (hg19) VCF-style: chr1-226036691-C-T.
Identifiers: ClinVar variation 3389206 (VCV003389206.14).

ClinVar aggregate classification (germline): Likely benign (1 of 4 stars; one submission).

Submission:

CeGaT Center for Human Genetics Tuebingen
Classification: Likely benign. Last evaluated: 2024-09-01. Review status: criteria provided, single submitter. Criteria: CeGaT Center For Human Genetics Tuebingen Variant Classification Criteria Version 2. Collection method: clinical testing. Allele origin: germline. Affected: yes. Observed: 1 variant allele.
Comment: TMEM63A: BP4, BP7